The following is an entry in ClinVar:

NM_018965.4(TREM2):c.469C>T (p.His157Tyr)

Gene: TREM2 (triggering receptor expressed on myeloid cells 2; minus strand). Cytogenetic location: 6p21.1.
Variant type: single nucleotide variant.
Coding change: c.469C>T on transcript NM_018965.4 (MANE Select); coding-DNA position 469, C replaced by T.
Protein change: p.His157Tyr; replaces histidine 157 with tyrosine.
Molecular consequence: missense variant.
Genome position (GRCh38, 1-based): chr6:41,159,805, G>A on the plus strand (C>T on the coding strand, the complement: TREM2 is on the minus strand). VCF-style: chr6-41159805-G-A. GRCh37 (hg19) VCF-style: chr6-41127543-G-A.
Other names: c.469C>T (NM_018965.2); c.469C>T, p.His157Tyr (NM_001271821.2); short protein forms H157Y.
Identifiers: ClinVar variation 196494 (VCV000196494.24), dbSNP rs2234255, ClinGen allele CA202402.

ClinVar aggregate classification (germline): Benign/Likely benign. Review status: criteria provided, multiple submitters, no conflicts (2 of 4 stars). 10 submissions from 10 submitters: Benign (4); Likely benign (4). 2 of the submissions do not count toward it. Last evaluated 2026-02-01.

Conditions:
Polycystic lipomembranous osteodysplasia with sclerosing leukoencephalopathy 2. Also called: TREM2-Related Polycystic Lipomembranous Osteodysplasia with Sclerosing Leukoencephalopathy. Identifiers: MedGen C4748657, MONDO:0020750, OMIM 618193.

Allele frequency attached by ClinVar (database versions not stated): 1000 Genomes Project 30x 0.00234; 1000 Genomes Project 0.00280; ExAC 0.00361; gnomAD exomes 0.00490 and 0.00117; TOPMed 0.00356; ESP Exome Variant Server 0.00015; gnomAD 0.00187 and 0.00192.

Submissions (10):

Labcorp Genetics (formerly Invitae), Labcorp
Classification: Benign. Last evaluated: 2026-02-01. Review status: criteria provided, single submitter. Criteria: Invitae Variant Classification Sherloc (09022015). Collection method: clinical testing. Allele origin: germline.

Fulgent Genetics
Classification: Likely benign for Polycystic lipomembranous osteodysplasia with sclerosing leukoencephalopathy 2. Last evaluated: 2021-08-12. Review status: criteria provided, single submitter. Criteria: ACMG Guidelines, 2015. Collection method: clinical testing. Allele origin: unknown.

Center for Pediatric Genomic Medicine, Children's Mercy Hospital and Clinics
Classification: Likely benign. Last evaluated: 2017-06-16. Review status: criteria provided, single submitter. Criteria: ACMG Guidelines, 2015. Collection method: clinical testing. Allele origin: germline.

Illumina Laboratory Services, Illumina
Classification: Likely benign for Polycystic lipomembranous osteodysplasia with sclerosing leukoencephalopathy 2. Last evaluated: 2017-04-28. Review status: criteria provided, single submitter. Criteria: ICSL Variant Classification Criteria 13 December 2019. Collection method: clinical testing. Allele origin: germline.
Comment: This variant was observed as part of a predisposition screen in an ostensibly healthy population. A literature search was performed for the gene, cDNA change, and amino acid change (where applicable). No publications were found based on this search. Allele frequency data from public databases allowed determination this variant is unlikely to cause disease. Therefore, this variant is classified as likely benign.

Eurofins Ntd Llc (ga)
Classification: Benign. Last evaluated: 2015-05-11. Review status: criteria provided, single submitter. Criteria: EGL Classification Definitions 2015. Collection method: clinical testing. Allele origin: germline. Observed: 1 variant allele, 1 heterozygote.

GeneDx
Classification: Benign. Last evaluated: 2015-03-03. Review status: criteria provided, single submitter. Criteria: GeneDx Variant Classification Process June 2021. Collection method: clinical testing. Allele origin: germline. Affected: yes.
Comment: This variant is associated with the following publications: (PMID: 27501831, 28855301, 28855300, 28985224, 24899047, 27067662, 27084067, 23150934, 24119542)

Breakthrough Genomics
Classification: Likely benign. Review status: criteria provided, single submitter. Criteria: ACMG Guidelines, 2015. Collection method: not provided. Allele origin: germline. Inheritance: Autosomal recessive inheritance. Affected: yes.

PreventionGenetics, part of Exact Sciences
Classification: Benign. Review status: criteria provided, single submitter. Criteria: ACMG Guidelines, 2015. Collection method: clinical testing. Allele origin: germline.

Genome Diagnostics Laboratory, Amsterdam University Medical Center
Classification: Likely benign. Review status: no assertion criteria provided. Collection method: clinical testing. Allele origin: germline. Affected: yes. Study: VKGL Data-share Consensus. Not counted in ClinVar's aggregate classification.

Laboratory of Diagnostic Genome Analysis, Leiden University Medical Center (LUMC)
Classification: Likely benign. Review status: no assertion criteria provided. Collection method: clinical testing. Allele origin: germline. Affected: yes. Study: VKGL Data-share Consensus. Not counted in ClinVar's aggregate classification.